The following is an entry in ClinVar:

ClinVar aggregate classification (germline): Pathogenic (1 of 4 stars; one submission).

Conditions:
COG1 congenital disorder of glycosylation (CDG2G). Also called: CONGENITAL DISORDER OF GLYCOSYLATION, TYPE IIg; CDG IIg; CDGII/COG1 CEREBROCOSTOMANDIBULAR-LIKE SYNDROME. Identifiers: Orphanet 263508, MedGen C2931011, MONDO:0012637, OMIM 611209.

Submission:

Labcorp Genetics (formerly Invitae), Labcorp
Classification: Pathogenic for COG1 congenital disorder of glycosylation. Last evaluated: 2025-08-12. Review status: criteria provided, single submitter. Criteria: Invitae Variant Classification Sherloc (09022015). Collection method: clinical testing. Allele origin: germline.
Comment: This sequence change creates a premature translational stop signal (p.Gln573*) in the COG1 gene. It is expected to result in an absent or disrupted protein product. Loss-of-function variants in COG1 are known to be pathogenic (PMID: 16537452). This variant is present in population databases (no rsID available, gnomAD 0.007%). This variant has not been reported in the literature in individuals affected with COG1-related conditions. For these reasons, this variant has been classified as Pathogenic.

Literature cited by the submitters: PubMed 16537452.

NM_018714.3(COG1):c.1717C>T (p.Gln573Ter)

Gene: COG1 (component of oligomeric golgi complex 1; plus strand). Cytogenetic location: 17q25.1.
Variant type: single nucleotide variant.
Coding change: c.1717C>T on transcript NM_018714.3 (MANE Select); coding-DNA position 1717, C replaced by T.
Protein change: p.Gln573Ter; replaces glutamine 573 with a stop codon.
Molecular consequence: nonsense.
Genome position (GRCh38, 1-based): chr17:73,201,544, C>T. VCF-style: chr17-73201544-C-T. GRCh37 (hg19) VCF-style: chr17-71197683-C-T.
Other names: short protein forms Q573*.
Identifiers: ClinVar variation 4764410 (VCV004764410.1).